The following is an entry in ClinVar:

ClinVar aggregate classification (germline): Uncertain significance (1 of 4 stars; one submission).

Conditions:
Hereditary cancer-predisposing syndrome. Also called: Neoplastic Syndromes, Hereditary; Tumor predisposition; Hereditary Cancer Syndrome; Hereditary neoplastic syndrome. Identifiers: Orphanet 140162, MedGen C0027672, MeSH D009386, MONDO:0015356.

Submission:

Ambry Genetics
Classification: Uncertain significance for Hereditary cancer-predisposing syndrome. Last evaluated: 2022-09-12. Review status: criteria provided, single submitter. Criteria: Ambry Variant Classification Scheme 2023. Collection method: clinical testing. Allele origin: germline.
Comment: The p.G598V variant (also known as c.1793G>T), located in coding exon 15 of the MRE11A gene, results from a G to T substitution at nucleotide position 1793. The glycine at codon 598 is replaced by valine, an amino acid with dissimilar properties. This amino acid position is conserved. In addition, this alteration is predicted to be tolerated by in silico analysis. Since supporting evidence is limited at this time, the clinical significance of this alteration remains unclear.

NM_005591.4(MRE11):c.1793G>T (p.Gly598Val)

Gene: MRE11 (MRE11 double strand break repair nuclease; minus strand). Cytogenetic location: 11q21.
Variant type: single nucleotide variant.
Coding change: c.1793G>T on transcript NM_005591.4 (MANE Select); coding-DNA position 1793, G replaced by T.
Protein change: p.Gly598Val; replaces glycine 598 with valine.
Molecular consequence: missense variant. On other transcripts: intron variant (1).
Genome position (GRCh38, 1-based): chr11:94,445,884, C>A on the plus strand (G>T on the coding strand, the complement: MRE11 is on the minus strand). VCF-style: chr11-94445884-C-A. GRCh37 (hg19) VCF-style: chr11-94179050-C-A.
Other names: c.1790G>T, p.Gly597Val (NM_001330347.2); c.1783+1335G>T (NM_005590.4); short protein forms G597V, G598V.
Identifiers: ClinVar variation 1799982 (VCV001799982.2), dbSNP rs2496280914, ClinGen allele CA382366883.